The following is an entry in ClinVar:

NM_001367561.1(DOCK7):c.1436G>A (p.Arg479His)

Gene: DOCK7 (dedicator of cytokinesis 7; minus strand). Cytogenetic location: 1p31.3.
Variant type: single nucleotide variant.
Coding change: c.1436G>A on transcript NM_001367561.1 (MANE Select); coding-DNA position 1436, G replaced by A.
Protein change: p.Arg479His; replaces arginine 479 with histidine.
Molecular consequence: missense variant.
Genome position (GRCh38, 1-based): chr1:62,619,983, C>T on the plus strand (G>A on the coding strand, the complement: DOCK7 is on the minus strand). VCF-style: chr1-62619983-C-T. GRCh37 (hg19) VCF-style: chr1-63085654-C-T.
Other names: c.1436G>A, p.Arg479His (NM_001271999.2, NM_001272000.2, NM_001272001.2 and 3 more transcripts); short protein forms R479H.
Identifiers: ClinVar variation 860407 (VCV000860407.3), dbSNP rs1036523004, ClinGen allele CA23768921.

ClinVar aggregate classification (germline): Uncertain significance (1 of 4 stars; one submission).

Conditions:
Developmental and epileptic encephalopathy, 23 (DEE23). Also called: Epileptic encephalopathy, early infantile, 23. Identifiers: Orphanet 411986, MedGen C4014492, MONDO:0014371, OMIM 615859.

Allele frequency attached by ClinVar (database versions not stated): gnomAD 0.00001; gnomAD exomes 0.00001 and 0.00002; TOPMed 0.00001.
gnomAD v4.1: 25 of 1,612,384 alleles (0.0016%); highest among the groups gnomAD compares: South Asian, 0.0033%; no homozygotes.

Submission:

Labcorp Genetics (formerly Invitae), Labcorp
Classification: Uncertain significance for Developmental and epileptic encephalopathy, 23. Last evaluated: 2022-07-23. Review status: criteria provided, single submitter. Criteria: Invitae Variant Classification Sherloc (09022015). Collection method: clinical testing. Allele origin: germline.
Comment: This sequence change replaces arginine, which is basic and polar, with histidine, which is basic and polar, at codon 479 of the DOCK7 protein (p.Arg479His). This variant is present in population databases (no rsID available, gnomAD 0.003%). This variant has not been reported in the literature in individuals affected with DOCK7-related conditions. ClinVar contains an entry for this variant (Variation ID: 860407). Algorithms developed to predict the effect of missense changes on protein structure and function are either unavailable or do not agree on the potential impact of this missense change (SIFT: "Deleterious"; PolyPhen-2: "Probably Damaging"; Align-GVGD: "Class C0"). In summary, the available evidence is currently insufficient to determine the role of this variant in disease. Therefore, it has been classified as a Variant of Uncertain Significance.